The following is an entry in ClinVar:

NM_004260.4(RECQL4):c.1964A>C (p.His655Pro)

Gene: RECQL4 (RecQ like helicase 4; minus strand). Cytogenetic location: 8q24.3.
Variant type: single nucleotide variant.
Coding change: c.1964A>C on transcript NM_004260.4 (MANE Select); coding-DNA position 1964, A replaced by C.
Protein change: p.His655Pro; replaces histidine 655 with proline.
Molecular consequence: missense variant.
Genome position (GRCh38, 1-based): chr8:144,514,022, T>G on the plus strand (A>C on the coding strand, the complement: RECQL4 is on the minus strand). VCF-style: chr8-144514022-T-G. GRCh37 (hg19) VCF-style: chr8-145739406-T-G.
Other names: c.1964A>C (NM_004260.3); short protein forms H655P.
Identifiers: ClinVar variation 1422990 (VCV001422990.7), dbSNP rs2130691445, ClinGen allele CA372680401.
Genomic context (GRCh38, chr8:144,514,022, plus strand): 5'-TGCAGGTTGGTGGGAACTGGGGCTGGCCCGTGGAGGTCAGGCTCTTCAGCCACAGCCAGG[T>G]GCTGTGCCACGTCACTGGCAGTGCGGCGTGTGGCTGTGGCTGTGAGGCCCAGGAAGCAGT-3'
Protein context (NP_004251.4, residues 645-665): TRRTASDVAQ[His655Pro]LAVAEEPDLH

ClinVar aggregate classification (germline): Uncertain significance. Review status: criteria provided, multiple submitters, no conflicts (2 of 4 stars). 2 submissions from 2 submitters: Uncertain significance (2). Last evaluated 2025-04-12.

Conditions:
Baller-Gerold syndrome (BGS). Also called: CRANIOSYNOSTOSIS WITH RADIAL DEFECTS. Identifiers: Orphanet 1225, MedGen C0265308, MONDO:0009039, OMIM 218600.
Inborn genetic diseases. Identifiers: MedGen C0950123, MeSH D030342.

gnomAD v4.1: 1 of 1,572,572 alleles (0.000064%); highest among the groups gnomAD compares: Non-Finnish European, 0.000086%; no homozygotes.

Submissions (2):

Ambry Genetics
Classification: Uncertain significance for Inborn genetic diseases. Last evaluated: 2025-04-12. Review status: criteria provided, single submitter. Criteria: Ambry Variant Classification Scheme 2023. Collection method: clinical testing. Allele origin: germline.
Comment: The p.H655P variant (also known as c.1964A>C), located in coding exon 12 of the RECQL4 gene, results from an A to C substitution at nucleotide position 1964. The histidine at codon 655 is replaced by proline, an amino acid with similar properties. This amino acid position is conserved. In addition, this alteration is predicted to be deleterious by in silico analysis. Based on the available evidence, the clinical significance of this variant remains unclear.

Labcorp Genetics (formerly Invitae), Labcorp
Classification: Uncertain significance for Baller-Gerold syndrome. Last evaluated: 2024-11-09. Review status: criteria provided, single submitter. Criteria: Invitae Variant Classification Sherloc (09022015). Collection method: clinical testing. Allele origin: germline.
Comment: This sequence change replaces histidine, which is basic and polar, with proline, which is neutral and non-polar, at codon 655 of the RECQL4 protein (p.His655Pro). This variant is not present in population databases (gnomAD no frequency). This variant has not been reported in the literature in individuals affected with RECQL4-related conditions. ClinVar contains an entry for this variant (Variation ID: 1422990). Invitae Evidence Modeling of protein sequence and biophysical properties (such as structural, functional, and spatial information, amino acid conservation, physicochemical variation, residue mobility, and thermodynamic stability) indicates that this missense variant is expected to disrupt RECQL4 protein function with a positive predictive value of 80%. In summary, the available evidence is currently insufficient to determine the role of this variant in disease. Therefore, it has been classified as a Variant of Uncertain Significance.